The following is an entry in ClinVar:

ClinVar aggregate classification (germline): Uncertain significance (1 of 4 stars; one submission).

Allele frequency attached by ClinVar (database versions not stated): gnomAD 0.00001; gnomAD exomes 0.00002; TOPMed 0.00002.
gnomAD v4.1: 30 of 1,614,040 alleles (0.0019%); highest among the groups gnomAD compares: Non-Finnish European, 0.0024%; no homozygotes.

Submission:

Labcorp Genetics (formerly Invitae), Labcorp
Classification: Uncertain significance. Last evaluated: 2025-07-02. Review status: criteria provided, single submitter. Criteria: Invitae Variant Classification Sherloc (09022015). Collection method: clinical testing. Allele origin: germline.
Comment: This sequence change falls in intron 23 of the MYH3 gene. It does not directly change the encoded amino acid sequence of the MYH3 protein. It affects a nucleotide within the consensus splice site. This variant is present in population databases (no rsID available, gnomAD 0.0009%). This variant has not been reported in the literature in individuals affected with MYH3-related conditions. ClinVar contains an entry for this variant (Variation ID: 3023560). Variants that disrupt the consensus splice site are a relatively common cause of aberrant splicing (PMID: 17576681, 9536098). Algorithms developed to predict the effect of sequence changes on RNA splicing suggest that this variant may disrupt the consensus splice site. In summary, the available evidence is currently insufficient to determine the role of this variant in disease. Therefore, it has been classified as a Variant of Uncertain Significance.

Literature cited by the submitters: PubMed 17576681; PubMed 9536098.

NM_002470.4(MYH3):c.2925+3A>G

Gene: MYH3 (myosin heavy chain 3; minus strand). Cytogenetic location: 17p13.1.
Variant type: single nucleotide variant.
Coding change: c.2925+3A>G on transcript NM_002470.4 (MANE Select); 3 bases into the intron after coding-DNA position 2925, A replaced by G.
Molecular consequence: intron variant.
Genome position (GRCh38, 1-based): chr17:10,639,557, T>C on the plus strand (A>G on the coding strand, the complement: MYH3 is on the minus strand). VCF-style: chr17-10639557-T-C. GRCh37 (hg19) VCF-style: chr17-10542874-T-C.
Identifiers: ClinVar variation 3023560 (VCV003023560.3), dbSNP rs1402850885, ClinGen allele CA625032239.